The following is an entry in ClinVar:

ClinVar aggregate classification (germline): Likely pathogenic. Review status: criteria provided, multiple submitters, no conflicts (2 of 4 stars). 2 submissions from 2 submitters: Likely pathogenic (2). Last evaluated 2025-11-14.

Conditions:
Finnish congenital nephrotic syndrome (NPHS1). Also called: NEPHROTIC SYNDROME, TYPE 1. Identifiers: Orphanet 839, MedGen C0403399, MONDO:0009732, OMIM 256300.

Allele frequency attached by ClinVar (database versions not stated): gnomAD exomes below 0.00001; TOPMed 0.00001; ESP Exome Variant Server 0.00008.

Submissions (2):

Natera, Inc.
Classification: Likely pathogenic for Finnish congenital nephrotic syndrome. Last evaluated: 2025-11-14. Review status: criteria provided, single submitter. Criteria: Natera Variant Classification Schema (03/2026). Collection method: clinical testing. Allele origin: germline.
Comment: The c.275-1G>C variant in NPHS1 is a canonical splice acceptor site variant predicted to affect pre-mRNA splicing, which may result in an abnormal transcript and altered protein product. This variant is expected to result in nonsense mediated decay, truncation, or a dysfunctional protein product. This variant is rare in the general population with a frequency below the threshold expected for the associated phenotype(s). Given the available evidence, this variant is classified as Likely Pathogenic.

Labcorp Genetics (formerly Invitae), Labcorp
Classification: Likely pathogenic. Last evaluated: 2021-08-30. Review status: criteria provided, single submitter. Criteria: Invitae Variant Classification Sherloc (09022015). Collection method: clinical testing. Allele origin: germline.
Comment: Algorithms developed to predict the effect of sequence changes on RNA splicing suggest that this variant may disrupt the consensus splice site. In summary, the currently available evidence indicates that the variant is pathogenic, but additional data are needed to prove that conclusively. Therefore, this variant has been classified as Likely Pathogenic. Disruption of this splice site has been observed in individual(s) with congenital nephrotic syndrome (PMID: 18503012). This variant is not present in population databases (ExAC no frequency). This sequence change affects an acceptor splice site in intron 2 of the NPHS1 gene. It is expected to disrupt RNA splicing. Variants that disrupt the donor or acceptor splice site typically lead to a loss of protein function (PMID: 16199547), and loss-of-function variants in NPHS1 are known to be pathogenic (PMID: 11317351, 11854170, 12039988).

Literature cited by the submitters: PubMed 18503012 (cited by Labcorp Genetics (formerly Invitae), Labcorp); PubMed 16199547 (cited by Labcorp Genetics (formerly Invitae), Labcorp); PubMed 11317351 (cited by Labcorp Genetics (formerly Invitae), Labcorp); PubMed 11854170 (cited by Labcorp Genetics (formerly Invitae), Labcorp); PubMed 12039988 (cited by Labcorp Genetics (formerly Invitae), Labcorp).

NM_004646.4(NPHS1):c.275-1G>C

Gene: NPHS1 (NPHS1 adhesion molecule, nephrin; minus strand). Cytogenetic location: 19q13.12.
Variant type: single nucleotide variant.
Coding change: c.275-1G>C on transcript NM_004646.4 (MANE Select); the canonical splice acceptor site of the intron before coding-DNA position 275, G replaced by C.
Molecular consequence: splice acceptor variant.
Genome position (GRCh38, 1-based): chr19:35,851,385, C>G on the plus strand (G>C on the coding strand, the complement: NPHS1 is on the minus strand). VCF-style: chr19-35851385-C-G. GRCh37 (hg19) VCF-style: chr19-36342287-C-G.
Other names: c.275-1G>C (NM_004646.3).
Identifiers: ClinVar variation 1467122 (VCV001467122.7), dbSNP rs144118716, ClinGen allele CA307790752.